The following is an entry in ClinVar:

ClinVar aggregate classification (germline): Likely pathogenic (1 of 4 stars; one submission).

Conditions:
Cystinosis. Also called: Cystine diathesis; Cystine storage disease; Cystinoses. Identifiers: Orphanet 213, MedGen C4316899, MONDO:0016239.

Submission:

Myriad Genetics, Inc.
Classification: Likely pathogenic for Cystinosis. Last evaluated: 2022-01-02. Review status: criteria provided, single submitter. Criteria: Myriad Autosomal Dominant, Autosomal Recessive and X-Linked Classification Criteria (2023). Collection method: clinical testing. Allele origin: unknown.
Comment: NM_004937.2(CTNS):c.672C>A(C224*) is expected to be pathogenic in the context of cystinosis. This variant is predicted to lead to an abnormal or absent protein product due to the creation of a premature termination codon in CTNS, a gene where loss-of-function variants are known to be pathogenic. Please note: this variant was assessed in the context of healthy population screening.

NM_004937.3(CTNS):c.672C>A (p.Cys224Ter)

Genes: CTNS (cystinosin, lysosomal cystine transporter; plus strand), CTNS-AS1 (CTNS antisense RNA 1; minus strand). Cytogenetic location: 17p13.2.
Variant type: single nucleotide variant.
Coding change: c.672C>A on transcript NM_004937.3 (MANE Select); coding-DNA position 672, C replaced by A.
Protein change: p.Cys224Ter; replaces cysteine 224 with a stop codon.
Molecular consequence: nonsense.
Genome position (GRCh38, 1-based): chr17:3,656,786, C>A. VCF-style: chr17-3656786-C-A. GRCh37 (hg19) VCF-style: chr17-3560080-C-A.
Other names: c.672C>A, p.Cys224Ter (NM_001031681.3, NM_001374492.1); c.231C>A, p.Cys77Ter (NM_001374493.1, NM_001374494.1, NM_001374495.1 and 1 more transcripts); short protein forms C224*, C77*.
Identifiers: ClinVar variation 1726091 (VCV001726091.3), dbSNP rs2507764701, ClinGen allele CA397691859.